The following is an entry in ClinVar:

ClinVar aggregate classification (germline): Uncertain significance (1 of 4 stars; one submission).

Allele frequency attached by ClinVar (database versions not stated): ExAC 0.00001; 1000 Genomes Project 30x 0.00016; gnomAD exomes below 0.00001; 1000 Genomes Project 0.00020; gnomAD 0.00001.
gnomAD v4.1: 9 of 1,574,410 alleles (0.00057%); highest among the groups gnomAD compares: South Asian, 0.0082%; no homozygotes.

Submission:

Labcorp Genetics (formerly Invitae), Labcorp
Classification: Uncertain significance. Last evaluated: 2025-03-31. Review status: criteria provided, single submitter. Criteria: Invitae Variant Classification Sherloc (09022015). Collection method: clinical testing. Allele origin: germline.
Comment: This sequence change replaces lysine, which is basic and polar, with glutamic acid, which is acidic and polar, at codon 1016 of the DHX37 protein (p.Lys1016Glu). This variant is present in population databases (rs533819369, gnomAD 0.008%). This variant has not been reported in the literature in individuals affected with DHX37-related conditions. ClinVar contains an entry for this variant (Variation ID: 2090317). Invitae Evidence Modeling of protein sequence and biophysical properties (such as structural, functional, and spatial information, amino acid conservation, physicochemical variation, residue mobility, and thermodynamic stability) indicates that this missense variant is not expected to disrupt DHX37 protein function with a negative predictive value of 80%. In summary, the available evidence is currently insufficient to determine the role of this variant in disease. Therefore, it has been classified as a Variant of Uncertain Significance.

NM_032656.4(DHX37):c.3046A>G (p.Lys1016Glu)

Gene: DHX37 (DEAH-box helicase 37; minus strand). Cytogenetic location: 12q24.31.
Variant type: single nucleotide variant.
Coding change: c.3046A>G on transcript NM_032656.4 (MANE Select); coding-DNA position 3046, A replaced by G.
Protein change: p.Lys1016Glu; replaces lysine 1016 with glutamic acid.
Molecular consequence: missense variant.
Genome position (GRCh38, 1-based): chr12:124,950,488, T>C on the plus strand (A>G on the coding strand, the complement: DHX37 is on the minus strand). VCF-style: chr12-124950488-T-C. GRCh37 (hg19) VCF-style: chr12-125435034-T-C.
Other names: short protein forms K1016E.
Identifiers: ClinVar variation 2090317 (VCV002090317.4), dbSNP rs533819369, ClinGen allele CA6871381.
Genomic context (GRCh38, chr12:124,950,488, plus strand): 5'-GGTGACACAGCACCCGCCCCCGCTCGGGGCAGTATGTAGGGGCTGGTTCCTCCAGGGGCT[T>C]GTCAAACTGGCAGTAAGAGGGCAGCAGGGCCGGGATCCACTGGACCTCCACGCTAGAGAC-3'
Protein context (NP_116045.2, residues 1006-1026): ALLPSYCQFD[Lys1016Glu]PLEEPAPTYC